The following is an entry in ClinVar:

ClinVar aggregate classification (germline): Pathogenic (1 of 4 stars; one submission).

Conditions:
Mucopolysaccharidosis, MPS-III-C (MPS3C). Also called: SANFILIPPO SYNDROME C; MPS III C; MPS IIIC (Sanfilippo Syndrome Type C); MUCOPOLYSACCHARIDOSIS, TYPE IIIC; Mucopolysaccharidosis type IIIC (Sanfilippo C); mucopolysaccharidosis type 3C. Identifiers: Orphanet 581, Orphanet 79271, MedGen C0086649, MONDO:0009657, OMIM 252930.
Retinitis pigmentosa 73 (RP73). Identifiers: Orphanet 791, MedGen C4225287, MONDO:0014687, OMIM 616544.

Submission:

Labcorp Genetics (formerly Invitae), Labcorp
Classification: Pathogenic for Retinitis pigmentosa 73; Mucopolysaccharidosis, MPS-III-C. Last evaluated: 2022-01-05. Review status: criteria provided, single submitter. Criteria: Invitae Variant Classification Sherloc (09022015). Collection method: clinical testing. Allele origin: germline.
Comment: This variant is a gross deletion of the genomic region encompassing exon(s) 1-2 of the HGSNAT gene, which includes the initiator codon. This deletion extends beyond the assayed region for this gene and therefore may encompass additional genes. It is expected to result in an absent or disrupted protein product. Loss-of-function variants in HGSNAT are known to be pathogenic (PMID: 17033958, 19479962). This variant has not been reported in the literature in individuals affected with HGSNAT-related conditions. For these reasons, this variant has been classified as Pathogenic.

Literature cited by the submitters: PubMed 17033958; PubMed 19479962.

NC_000008.10:g.(?_42977230)_(43002226_?)del

Genes: HGSNAT (heparan-alpha-glucosaminide N-acetyltransferase; plus strand), POMK (protein O-mannose kinase; plus strand). Cytogenetic location: 8p11.21.
Variant type: Deletion.
Identifiers: ClinVar variation 1459479 (VCV001459479.4).